The following is an entry in ClinVar:

ClinVar aggregate classification (germline): Uncertain significance. Review status: criteria provided, multiple submitters, no conflicts (2 of 4 stars). 2 submissions from 2 submitters: Uncertain significance (2). Last evaluated 2024-01-11.

Conditions:
Loeys-Dietz syndrome 2 (LDS2). Also called: TGFBR2-Related Loeys-Dietz Syndrome; Marfan Syndrome type 2; Marfan like connective tissue disorder; MFS 2; Marfan syndrome, type 2 (formerly); AORTIC ANEURYSM, FAMILIAL THORACIC 3. Identifiers: Orphanet 284973, Orphanet 558, MedGen C2674574, MONDO:0012427, OMIM 610168.

Allele frequency attached by ClinVar (database versions not stated): ExAC 0.00002; gnomAD exomes 0.00002 and 0.00003; gnomAD 0.00004; TOPMed 0.00004; ESP Exome Variant Server 0.00008.
gnomAD v4.1: 37 of 1,614,036 alleles (0.0023%); highest among the groups gnomAD compares: Non-Finnish European, 0.003%; no homozygotes.

Submissions (2):

Labcorp Genetics (formerly Invitae), Labcorp
Classification: Uncertain significance for Loeys-Dietz syndrome 2. Last evaluated: 2024-01-11. Review status: criteria provided, single submitter. Criteria: Invitae Variant Classification Sherloc (09022015). Collection method: clinical testing. Allele origin: germline.
Comment: This sequence change replaces glutamic acid, which is acidic and polar, with glycine, which is neutral and non-polar, at codon 419 of the TMPO protein (p.Glu419Gly). This variant is present in population databases (rs370366685, gnomAD 0.007%). This variant has not been reported in the literature in individuals affected with TMPO-related conditions. ClinVar contains an entry for this variant (Variation ID: 191792). Advanced modeling of protein sequence and biophysical properties (such as structural, functional, and spatial information, amino acid conservation, physicochemical variation, residue mobility, and thermodynamic stability) performed at Invitae indicates that this missense variant is not expected to disrupt TMPO protein function with a negative predictive value of 80%. In summary, the available evidence is currently insufficient to determine the role of this variant in disease. Therefore, it has been classified as a Variant of Uncertain Significance.

Biesecker Lab/Clinical Genomics Section, National Institutes of Health
Classification: Uncertain significance. Last evaluated: 2013-06-24. Review status: criteria provided, single submitter. Criteria: Ng et al. (Circ Cardiovasc Genet. 2013). Collection method: research. Allele origin: unknown. Observed: 1 variant allele. Study: ClinSeq.
Comment: The study set was not selected for affection status in relation to any cancer. Pathogenicity categories were based on literature curation. See Pubmed ID:23861362 for details.

Medical sequencing

NM_001032283.3(TMPO):c.565+1675A>G

Gene: TMPO (thymopoietin; plus strand). Cytogenetic location: 12q23.1.
Variant type: single nucleotide variant.
Coding change: c.565+1675A>G on transcript NM_001032283.3 (MANE Select); 1675 bases into the intron after coding-DNA position 565, A replaced by G.
Molecular consequence: intron variant. On other transcripts: missense variant (1).
Genome position (GRCh38, 1-based): chr12:98,533,513, A>G. VCF-style: chr12-98533513-A-G. GRCh37 (hg19) VCF-style: chr12-98927291-A-G.
Other names: c.1256A>G, p.Glu419Gly (NM_003276.2); c.565+1675A>G (NM_001307975.2, NM_001032284.3); short protein forms E419G.
Identifiers: ClinVar variation 191792 (VCV000191792.10), dbSNP rs370366685, ClinGen allele CA237562.
Genomic context (GRCh38, chr12:98,533,513, plus strand): 5'-CTATGCCCCCACTGGATGTAGAAAACATACAGAAGAGAATTGATCAGTCTAAGTTTCAAG[A>G]AACTGAATTCCTGTCTCCTCCAAGAAAAGTCCCTAGACTGAGTGAGAAGTCAGTGGAGGA-3'